The following is an entry in ClinVar:

ClinVar aggregate classification (germline): Uncertain significance. Review status: criteria provided, multiple submitters, no conflicts (2 of 4 stars). 3 submissions from 3 submitters: Uncertain significance (3). Last evaluated 2025-04-08.

Conditions:
Hereditary cancer-predisposing syndrome. Also called: Hereditary Cancer Syndrome; Tumor predisposition; Hereditary neoplastic syndrome; Neoplastic Syndromes, Hereditary. Identifiers: Orphanet 140162, MedGen C0027672, MeSH D009386, MONDO:0015356.

Allele frequency attached by ClinVar (database versions not stated): gnomAD exomes below 0.00001.

Submissions (3):

Ambry Genetics
Classification: Uncertain significance for Hereditary cancer-predisposing syndrome. Last evaluated: 2025-04-08. Review status: criteria provided, single submitter. Criteria: Ambry Variant Classification Scheme 2023. Collection method: clinical testing. Allele origin: germline.
Comment: The p.F239L variant (also known as c.717C>G), located in coding exon 7 of the TSC2 gene, results from a C to G substitution at nucleotide position 717. The phenylalanine at codon 239 is replaced by leucine, an amino acid with highly similar properties. This amino acid position is highly conserved in available vertebrate species. In addition, the in silico prediction for this alteration is inconclusive. Based on the available evidence, the clinical significance of this variant remains unclear.

GeneDx
Classification: Uncertain significance. Last evaluated: 2022-08-18. Review status: criteria provided, single submitter. Criteria: GeneDx Variant Classification Process June 2021. Collection method: clinical testing. Allele origin: germline. Affected: yes.
Comment: Not observed at significant frequency in large population cohorts (gnomAD); In silico analysis supports that this missense variant has a deleterious effect on protein structure/function; Has not been previously published as pathogenic or benign to our knowledge; This variant is associated with the following publications: (PMID: 18466115)

CeGaT Center for Human Genetics Tuebingen
Classification: Uncertain significance. Last evaluated: 2021-02-01. Review status: criteria provided, single submitter. Criteria: CeGaT Center For Human Genetics Tuebingen Variant Classification Criteria Version 2. Collection method: clinical testing. Allele origin: germline. Affected: yes. Observed: 2 variant alleles.

NM_000548.5(TSC2):c.717C>G (p.Phe239Leu)

Gene: TSC2 (TSC complex subunit 2; plus strand). Cytogenetic location: 16p13.3.
Variant type: single nucleotide variant.
Coding change: c.717C>G on transcript NM_000548.5 (MANE Select); coding-DNA position 717, C replaced by G.
Protein change: p.Phe239Leu; replaces phenylalanine 239 with leucine.
Molecular consequence: missense variant.
Genome position (GRCh38, 1-based): chr16:2,056,712, C>G. VCF-style: chr16-2056712-C-G. GRCh37 (hg19) VCF-style: chr16-2106713-C-G.
Other names: c.717C>G, p.Phe239Leu (NM_001077183.3, NM_001114382.3, NM_001363528.2 and 3 more transcripts); c.606C>G, p.Phe202Leu (NM_001318827.2); c.570C>G, p.Phe190Leu (NM_001318829.2); c.117C>G, p.Phe39Leu (NM_001318831.2); c.750C>G, p.Phe250Leu (NM_001318832.2); short protein forms F239L, F190L, F202L, F39L, F250L.
Identifiers: ClinVar variation 623882 (VCV000623882.46), dbSNP rs1567408727, ClinGen allele CA394312722.